The following is an entry in ClinVar:

ClinVar aggregate classification (germline): Conflicting classifications of pathogenicity. Review status: criteria provided, conflicting classifications (1 of 4 stars). 2 submissions from 2 submitters: Uncertain significance (1); Likely benign (1). Last evaluated 2026-04-06.

Conditions:
Inborn genetic diseases. Identifiers: MedGen C0950123, MeSH D030342.

Allele frequency attached by ClinVar (database versions not stated): gnomAD 0.00002; TOPMed 0.00002.
gnomAD v4.1: 12 of 1,614,060 alleles (0.00074%); highest among the groups gnomAD compares: South Asian, 0.0022%; no homozygotes.

Submissions (2):

Ambry Genetics
Classification: Uncertain significance for Inborn genetic diseases. Last evaluated: 2026-04-06. Review status: criteria provided, single submitter. Criteria: Ambry Variant Classification Scheme 2023. Collection method: clinical testing. Allele origin: germline.
Comment: The c.83G>A (p.R28Q) alteration is located in exon 2 (coding exon 2) of the ARCN1 gene. This alteration results from a G to A substitution at nucleotide position 83, causing the arginine (R) at amino acid position 28 to be replaced by a glutamine (Q). Based on data from gnomAD, the A allele has an overall frequency of <0.001% (1/251482) total alleles studied. The highest observed frequency was 0.003% (1/34592) of Latino alleles. Based on insufficient or conflicting evidence, the clinical significance of this alteration remains unclear.

Labcorp Genetics (formerly Invitae), Labcorp
Classification: Likely benign. Last evaluated: 2025-01-06. Review status: criteria provided, single submitter. Criteria: Invitae Variant Classification Sherloc (09022015). Collection method: clinical testing. Allele origin: germline.

NM_001655.5(ARCN1):c.83G>A (p.Arg28Gln)

Gene: ARCN1 (archain 1 coat protein complex I subunit delta; plus strand). Cytogenetic location: 11q23.3.
Variant type: single nucleotide variant.
Coding change: c.83G>A on transcript NM_001655.5 (MANE Select); coding-DNA position 83, G replaced by A.
Protein change: p.Arg28Gln; replaces arginine 28 with glutamine.
Molecular consequence: missense variant. On other transcripts: intron variant (1).
Genome position (GRCh38, 1-based): chr11:118,581,325, G>A. VCF-style: chr11-118581325-G-A. GRCh37 (hg19) VCF-style: chr11-118452040-G-A.
Other names: c.83G>A, p.Arg28Gln (NM_001425073.1, NM_001425074.1, NM_001425077.1 and 2 more transcripts); c.26G>A, p.Arg9Gln (NM_001425075.1); c.14G>A, p.Arg5Gln (NM_001425076.1); c.4-1854G>A (NM_001142281.2); short protein forms R28Q, R9Q, R5Q.
Identifiers: ClinVar variation 3128300 (VCV003128300.4), dbSNP rs1329762657, ClinGen allele CA382800977.